The following is an entry in ClinVar:

NM_032575.3(GLIS2):c.523T>C (p.Cys175Arg)

Gene: GLIS2 (GLIS family zinc finger 2; plus strand). Cytogenetic location: 16p13.3.
Variant type: single nucleotide variant.
Coding change: c.523T>C on transcript NM_032575.3 (MANE Select); coding-DNA position 523, T replaced by C.
Protein change: p.Cys175Arg; replaces cysteine 175 with arginine.
Molecular consequence: missense variant.
Genome position (GRCh38, 1-based): chr16:4,335,060, T>C. VCF-style: chr16-4335060-T-C. GRCh37 (hg19) VCF-style: chr16-4385061-T-C.
Other names: NP_115964.2p.Cys175Arg; c.523T>C, p.Cys175Arg (NM_001318918.2); short protein forms C175R.
Identifiers: ClinVar variation 127160 (VCV000127160.5), dbSNP rs587777353, ClinGen allele CA278429.

ClinVar aggregate classification (germline): not provided. Review status: no classification provided (0 of 4 stars). 2 submissions from 2 submitters: not provided (1). 1 of the submissions does not count toward it.

Conditions:
Nephronophthisis. Also called: Juvenile Nephronophthisis. Identifiers: Orphanet 655, MedGen C0687120, MONDO:0019005, HP:0000090.
Nephronophthisis 7 (NPHP7). Identifiers: Orphanet 655, MedGen C1969092, MONDO:0012680, OMIM 611498.

Submissions (2):

GeneReviews
No classification provided. Condition: Nephronophthisis. Review status: no classification provided. Collection method: literature only. Allele origin: germline. Affected: yes.

OMIM
Classification: Pathogenic for NEPHRONOPHTHISIS 7. Last evaluated: 2013-08-01. Review status: flagged submission. Collection method: literature only. Allele origin: germline. Not counted in ClinVar's aggregate classification.
ClinVar note: Notes: Flagging candidate with reason of insufficient supporting evidence. This gene has been classified as having a limited gene-disease relationship by a ClinGen Expert Panel.
ClinVar note: Reason: Other

Literature cited by the submitters: NCBI Bookshelf NBK368475 (cited by GeneReviews); PubMed 23559409 (cited by OMIM); PubMed 26374130 (cited by OMIM).